The following is an entry in ClinVar:

NM_012330.4(KAT6B):c.4816C>T (p.His1606Tyr)

Gene: KAT6B (lysine acetyltransferase 6B; plus strand). Cytogenetic location: 10q22.2.
Variant type: single nucleotide variant.
Coding change: c.4816C>T on transcript NM_012330.4 (MANE Select); coding-DNA position 4816, C replaced by T.
Protein change: p.His1606Tyr; replaces histidine 1606 with tyrosine.
Molecular consequence: missense variant.
Genome position (GRCh38, 1-based): chr10:75,029,640, C>T. VCF-style: chr10-75029640-C-T. GRCh37 (hg19) VCF-style: chr10-76789398-C-T.
Other names: c.4267C>T, p.His1423Tyr (NM_001256468.2, NM_001370138.1); c.3940C>T, p.His1314Tyr (NM_001256469.2, NM_001370139.1, NM_001370140.1 and 2 more transcripts); c.3778C>T, p.His1260Tyr (NM_001370132.1); c.3127C>T, p.His1043Tyr (NM_001370133.1); c.2731C>T, p.His911Tyr (NM_001370134.1); c.2473C>T, p.His825Tyr (NM_001370135.1); c.4816C>T, p.His1606Tyr (NM_001370136.1, NM_001370137.1); c.3751C>T, p.His1251Tyr (NM_001370143.1, NM_001370144.1); short protein forms H1423Y, H1606Y, H825Y, H1260Y, H1314Y, H911Y, H1043Y, H1251Y.
Identifiers: ClinVar variation 1927129 (VCV001927129.5), dbSNP rs765433545, ClinGen allele CA5565103.
Genomic context (GRCh38, chr10:75,029,640, plus strand): 5'-ACCACGCTCGACGATTGCCAACAGTCGGACCACAGTAGCCCAGTTTCATCCGTCCACTCC[C>T]ATCCTGGCCAGTCCGTACGTTCTGTCAACAGCCCAAGTGTCCCTGCTCTGGAAAACAGCT-3'
Protein context (NP_036462.2, residues 1596-1616): HSSPVSSVHS[His1606Tyr]PGQSVRSVNS

ClinVar aggregate classification (germline): Uncertain significance (1 of 4 stars; one submission).

Conditions:
Genitopatellar syndrome (GTPTS). Also called: Genitopatellar syndrome (GPS); ABSENT PATELLAE, SCROTAL HYPOPLASIA, RENAL ANOMALIES, FACIAL DYSMORPHISM, AND MENTAL RETARDATION. Identifiers: Orphanet 85201, MedGen C1853566, MONDO:0011640, OMIM 606170.

Allele frequency attached by ClinVar (database versions not stated): TOPMed below 0.00001; ExAC 0.00001; gnomAD 0.00001.
gnomAD v4.1: 1 of 1,614,058 alleles (0.000062%); highest among the groups gnomAD compares: Non-Finnish European, 0.000085%; no homozygotes.

Submission:

Labcorp Genetics (formerly Invitae), Labcorp
Classification: Uncertain significance for Genitopatellar syndrome. Last evaluated: 2022-08-02. Review status: criteria provided, single submitter. Criteria: Invitae Variant Classification Sherloc (09022015). Collection method: clinical testing. Allele origin: germline.
Comment: In summary, the available evidence is currently insufficient to determine the role of this variant in disease. Therefore, it has been classified as a Variant of Uncertain Significance. Algorithms developed to predict the effect of missense changes on protein structure and function are either unavailable or do not agree on the potential impact of this missense change (SIFT: "Tolerated"; PolyPhen-2: "Possibly Damaging"; Align-GVGD: "Class C0"). This variant has not been reported in the literature in individuals affected with KAT6B-related conditions. This variant is present in population databases (rs765433545, gnomAD 0.0009%). This sequence change replaces histidine, which is basic and polar, with tyrosine, which is neutral and polar, at codon 1606 of the KAT6B protein (p.His1606Tyr).